The following is an entry in ClinVar:

NM_001113378.2(FANCI):c.3113C>T (p.Ser1038Leu)

Gene: FANCI (FA complementation group I; plus strand). Cytogenetic location: 15q26.1.
Variant type: single nucleotide variant.
Coding change: c.3113C>T on transcript NM_001113378.2 (MANE Select); coding-DNA position 3113, C replaced by T.
Protein change: p.Ser1038Leu; replaces serine 1038 with leucine.
Molecular consequence: missense variant.
Genome position (GRCh38, 1-based): chr15:89,305,169, C>T. VCF-style: chr15-89305169-C-T. GRCh37 (hg19) VCF-style: chr15-89848400-C-T.
Other names: c.3113C>T (NM_001113378.1); c.2834C>T, p.Ser945Leu (NM_001376910.1); c.3113C>T, p.Ser1038Leu (NM_001376911.1); c.2933C>T, p.Ser978Leu (NM_018193.3); short protein forms S978L, S1038L, S945L.
Identifiers: ClinVar variation 1480740 (VCV001480740.7), dbSNP rs2151913209, ClinGen allele CA393739269.

ClinVar aggregate classification (germline): Conflicting classifications of pathogenicity. Review status: criteria provided, conflicting classifications (1 of 4 stars). 3 submissions from 3 submitters: Uncertain significance (2); Likely benign (1). Last evaluated 2025-09-28.

Conditions:
Inborn genetic diseases. Identifiers: MedGen C0950123, MeSH D030342.
Fanconi anemia (FA). Also called: Fanconi's anemia. Identifiers: Orphanet 84, MedGen C0015625, MeSH D005199, MONDO:0019391.
Fanconi anemia complementation group I (FANCI). Also called: FANCI-Related Fanconi Anemia. Identifiers: Orphanet 84, MedGen C1836861, MONDO:0012186, OMIM 609053.

gnomAD v4.1: 6 of 1,614,206 alleles (0.00037%); highest among the groups gnomAD compares: South Asian, 0.0022%; no homozygotes.

Submissions (3):

Ambry Genetics
Classification: Likely benign for Inborn genetic diseases. Last evaluated: 2025-09-28. Review status: criteria provided, single submitter. Criteria: Ambry Variant Classification Scheme 2023. Collection method: clinical testing. Allele origin: germline.

Fulgent Genetics
Classification: Uncertain significance for Fanconi anemia complementation group I. Last evaluated: 2024-05-21. Review status: criteria provided, single submitter. Criteria: ACMG Guidelines, 2015. Collection method: clinical testing. Allele origin: germline.

Labcorp Genetics (formerly Invitae), Labcorp
Classification: Uncertain significance for Fanconi anemia. Last evaluated: 2021-08-30. Review status: criteria provided, single submitter. Criteria: Invitae Variant Classification Sherloc (09022015). Collection method: clinical testing. Allele origin: germline.
Comment: This sequence change replaces serine with leucine at codon 1038 of the FANCI protein (p.Ser1038Leu). The serine residue is weakly conserved and there is a large physicochemical difference between serine and leucine. This variant is not present in population databases (ExAC no frequency). This variant has not been reported in the literature in individuals affected with FANCI-related conditions. Algorithms developed to predict the effect of missense changes on protein structure and function output the following: SIFT: "Tolerated"; PolyPhen-2: "Benign"; Align-GVGD: "Class C0". The leucine amino acid residue is found in multiple mammalian species, which suggests that this missense change does not adversely affect protein function. In summary, the available evidence is currently insufficient to determine the role of this variant in disease. Therefore, it has been classified as a Variant of Uncertain Significance.